The following is an entry in ClinVar:

NM_032043.3(BRIP1):c.2786T>C (p.Leu929Pro)

Gene: BRIP1 (BRCA1 interacting DNA helicase 1; minus strand). Cytogenetic location: 17q23.2.
Variant type: single nucleotide variant.
Coding change: c.2786T>C on transcript NM_032043.3 (MANE Select); coding-DNA position 2786, T replaced by C.
Protein change: p.Leu929Pro; replaces leucine 929 with proline.
Molecular consequence: missense variant.
Genome position (GRCh38, 1-based): chr17:61,685,955, A>G on the plus strand (T>C on the coding strand, the complement: BRIP1 is on the minus strand). VCF-style: chr17-61685955-A-G. GRCh37 (hg19) VCF-style: chr17-59763316-A-G.
Other names: short protein forms L929P.
Identifiers: ClinVar variation 489827 (VCV000489827.17), dbSNP rs772087074, ClinGen allele CA400481533.

ClinVar aggregate classification (germline): Uncertain significance. Review status: criteria provided, multiple submitters, no conflicts (2 of 4 stars). 4 submissions from 4 submitters: Uncertain significance (4). Last evaluated 2026-02-03.

Conditions:
Familial ovarian cancer. Identifiers: MedGen C5679802, MONDO:0016248.
Fanconi anemia complementation group J. Also called: BRIP1-Related Fanconi Anemia. Identifiers: Orphanet 84, MedGen C1836860, MONDO:0012187, OMIM 609054.
Familial cancer of breast. Also called: BREAST CANCER, FAMILIAL; hereditary breast carcinoma; Hereditary breast cancer. Identifiers: Orphanet 227535, MedGen C0346153, MONDO:0016419, OMIM 114480. Disease mechanism: loss of function.
Hereditary cancer-predisposing syndrome. Also called: Tumor predisposition; Neoplastic Syndromes, Hereditary; Hereditary Cancer Syndrome; Hereditary neoplastic syndrome. Identifiers: Orphanet 140162, MedGen C0027672, MeSH D009386, MONDO:0015356.

gnomAD v4.1: 1 of 1,614,074 alleles (0.000062%); highest among the groups gnomAD compares: Non-Finnish European, 0.000085%; no homozygotes.

Submissions (4):

Labcorp Genetics (formerly Invitae), Labcorp
Classification: Uncertain significance for Familial cancer of breast; Fanconi anemia complementation group J. Last evaluated: 2026-02-03. Review status: criteria provided, single submitter. Criteria: Invitae Variant Classification Sherloc (09022015). Collection method: clinical testing. Allele origin: germline.
Comment: This sequence change replaces leucine, which is neutral and non-polar, with proline, which is neutral and non-polar, at codon 929 of the BRIP1 protein (p.Leu929Pro). This variant is not present in population databases (gnomAD no frequency). This missense change has been observed in individual(s) with colorectal cancer (PMID: 28135145). ClinVar contains an entry for this variant (Variation ID: 489827). Invitae Evidence Modeling of protein sequence and biophysical properties (such as structural, functional, and spatial information, amino acid conservation, physicochemical variation, residue mobility, and thermodynamic stability) indicates that this missense variant is not expected to disrupt BRIP1 protein function with a negative predictive value of 95%. In summary, the available evidence is currently insufficient to determine the role of this variant in disease. Therefore, it has been classified as a Variant of Uncertain Significance.

Molecular Pathology, Peter Maccallum Cancer Centre
Classification: Uncertain significance for Familial ovarian cancer. Last evaluated: 2024-11-22. Review status: criteria provided, single submitter. Criteria: ACMG Guidelines, 2015. Collection method: clinical testing. Allele origin: germline. Inheritance: Autosomal dominant inheritance.

Ambry Genetics
Classification: Uncertain significance for Hereditary cancer-predisposing syndrome. Last evaluated: 2024-10-30. Review status: criteria provided, single submitter. Criteria: Ambry Variant Classification Scheme 2023. Collection method: clinical testing. Allele origin: germline.
Comment: The p.L929P variant (also known as c.2786T>C), located in coding exon 18 of the BRIP1 gene, results from a T to C substitution at nucleotide position 2786. The leucine at codon 929 is replaced by proline, an amino acid with similar properties. This amino acid position is well conserved in available vertebrate species. In addition, the in silico prediction for this alteration is inconclusive. Based on the available evidence, the clinical significance of this variant remains unclear.

Color Diagnostics, LLC DBA Color Health
Classification: Uncertain significance for Hereditary cancer-predisposing syndrome. Last evaluated: 2019-04-04. Review status: criteria provided, single submitter. Criteria: ACMG Guidelines, 2015. Collection method: clinical testing. Allele origin: germline.

Literature cited by the submitters: PubMed 28135145 (cited by Labcorp Genetics (formerly Invitae), Labcorp).